The following is an entry in ClinVar:

ClinVar aggregate classification (germline): Uncertain significance (1 of 4 stars; one submission).

Conditions:
Charcot-Marie-Tooth disease type 4. Also called: Charcot-Marie-Tooth, Type 4; Charcot-Marie-Tooth disease, type IV. Identifiers: Orphanet 64749, MedGen C4082197, MONDO:0018995.

Submission:

Labcorp Genetics (formerly Invitae), Labcorp
Classification: Uncertain significance for Charcot-Marie-Tooth disease type 4. Last evaluated: 2022-07-25. Review status: criteria provided, single submitter. Criteria: Invitae Variant Classification Sherloc (09022015). Collection method: clinical testing. Allele origin: germline.
Comment: This sequence change replaces serine, which is neutral and polar, with proline, which is neutral and non-polar, at codon 2 of the NDRG1 protein (p.Ser2Pro). This variant is not present in population databases (gnomAD no frequency). This variant has not been reported in the literature in individuals affected with NDRG1-related conditions. ClinVar contains an entry for this variant (Variation ID: 581450). Algorithms developed to predict the effect of missense changes on protein structure and function (SIFT, PolyPhen-2, Align-GVGD) all suggest that this variant is likely to be tolerated. In summary, the available evidence is currently insufficient to determine the role of this variant in disease. Therefore, it has been classified as a Variant of Uncertain Significance.

NM_006096.4(NDRG1):c.4T>C (p.Ser2Pro)

Gene: NDRG1 (N-myc downstream regulated 1; minus strand). Cytogenetic location: 8q24.22.
Variant type: single nucleotide variant.
Coding change: c.4T>C on transcript NM_006096.4 (MANE Select); coding-DNA position 4, T replaced by C.
Protein change: p.Ser2Pro; replaces serine 2 with proline.
Molecular consequence: missense variant. On other transcripts: 5 prime UTR variant (1), intron variant (2).
Genome position (GRCh38, 1-based): chr8:133,284,308, A>G on the plus strand (T>C on the coding strand, the complement: NDRG1 is on the minus strand). VCF-style: chr8-133284308-A-G. GRCh37 (hg19) VCF-style: chr8-134296551-A-G.
Other names: c.4T>C, p.Ser2Pro (NM_001135242.2, NM_001374844.1, NM_001374845.1 and 1 more transcripts); c.-134T>C (NM_001258433.2); c.-100+12826T>C (NM_001258432.2); c.-135-4041T>C (NM_001374847.1); short protein forms S2P.
Identifiers: ClinVar variation 581450 (VCV000581450.7), dbSNP rs781381539, ClinGen allele CA372248980.